The following is an entry in ClinVar:

NM_003000.3(SDHB):c.664T>C (p.Ser222Pro)

Gene: SDHB (succinate dehydrogenase complex iron sulfur subunit B; minus strand). Cytogenetic location: 1p36.13.
Variant type: single nucleotide variant.
Coding change: c.664T>C on transcript NM_003000.3 (MANE Select); coding-DNA position 664, T replaced by C.
Protein change: p.Ser222Pro; replaces serine 222 with proline.
Molecular consequence: missense variant.
Genome position (GRCh38, 1-based): chr1:17,022,709, A>G on the plus strand (T>C on the coding strand, the complement: SDHB is on the minus strand). VCF-style: chr1-17022709-A-G. GRCh37 (hg19) VCF-style: chr1-17349204-A-G.
Other names: c.610T>C, p.Ser204Pro (NM_001407361.1); short protein forms S222P, S204P.
Identifiers: ClinVar variation 2943055 (VCV002943055.6), dbSNP rs2101513953, ClinGen allele CA338270459.

ClinVar aggregate classification (germline): Uncertain significance. Review status: criteria provided, multiple submitters, no conflicts (2 of 4 stars). 3 submissions from 3 submitters: Uncertain significance (3). Last evaluated 2026-04-17.

Conditions:
Pheochromocytoma. Also called: MAX-Related Hereditary Paraganglioma-Pheochromocytoma Syndrome. Identifiers: Orphanet 29072, MedGen C0031511, MONDO:0008233, OMIM 171300, HP:0002666.
Gastrointestinal stromal tumor. Also called: Gastrointestinal stromal tumor, somatic; Gastrointestinal stroma tumor. Identifiers: Orphanet 44890, MedGen C0238198, MeSH D046152, MONDO:0011719, OMIM 606764, HP:0100723.
Pheochromocytoma/paraganglioma syndrome 4. Also called: CAROTID BODY TUMORS AND MULTIPLE EXTRAADRENAL PHEOCHROMOCYTOMAS; PARAGANGLIOMA, FAMILIAL MALIGNANT; PARAGANGLIOMAS, HEREDITARY EXTRAADRENAL; PHEOCHROMOCYTOMA, FAMILIAL EXTRAADRENAL; Paragangliomas 4; SDHB-Related Hereditary Paraganglioma-Pheochromocytoma Syndrome (Paragangliomas 4). Identifiers: Orphanet 29072, MedGen C1861848, MONDO:0007273, OMIM 115310.
Hereditary cancer-predisposing syndrome. Also called: Neoplastic Syndromes, Hereditary; Hereditary neoplastic syndrome; Tumor predisposition; Hereditary Cancer Syndrome. Identifiers: Orphanet 140162, MedGen C0027672, MeSH D009386, MONDO:0015356.

Submissions (3):

Ambry Genetics
Classification: Uncertain significance for Hereditary cancer-predisposing syndrome. Last evaluated: 2026-04-17. Review status: criteria provided, single submitter. Criteria: Ambry Variant Classification Scheme 2023. Collection method: clinical testing. Allele origin: germline.
Comment: The p.S222P variant (also known as c.664T>C), located in coding exon 7 of the SDHB gene, results from a T to C substitution at nucleotide position 664. The serine at codon 222 is replaced by proline, an amino acid with similar properties. This amino acid position is highly conserved in available vertebrate species. In addition, this alteration is predicted to be deleterious by in silico analysis. Based on the available evidence, the clinical significance of this variant remains unclear.

GeneDx
Classification: Uncertain significance. Last evaluated: 2025-03-02. Review status: criteria provided, single submitter. Criteria: GeneDx Variant Classification Process June 2021. Collection method: clinical testing. Allele origin: germline. Affected: yes.
Comment: Not observed at significant frequency in large population cohorts (gnomAD); In silico analysis supports that this missense variant has a deleterious effect on protein structure/function; Has not been previously published as pathogenic or benign to our knowledge

Labcorp Genetics (formerly Invitae), Labcorp
Classification: Uncertain significance for Gastrointestinal stromal tumor; Pheochromocytoma/paraganglioma syndrome 4; Pheochromocytoma. Last evaluated: 2023-01-09. Review status: criteria provided, single submitter. Criteria: Invitae Variant Classification Sherloc (09022015). Collection method: clinical testing. Allele origin: germline.
Comment: This variant has not been reported in the literature in individuals affected with SDHB-related conditions. Advanced modeling of protein sequence and biophysical properties (such as structural, functional, and spatial information, amino acid conservation, physicochemical variation, residue mobility, and thermodynamic stability) performed at Invitae indicates that this missense variant is expected to disrupt SDHB protein function. In summary, the available evidence is currently insufficient to determine the role of this variant in disease. Therefore, it has been classified as a Variant of Uncertain Significance. This variant is not present in population databases (gnomAD no frequency). This sequence change replaces serine, which is neutral and polar, with proline, which is neutral and non-polar, at codon 222 of the SDHB protein (p.Ser222Pro).